The following is an entry in ClinVar:

NM_206933.4(USH2A):c.10524C>A (p.Thr3508=)

Gene: USH2A (usherin; minus strand). Cytogenetic location: 1q41.
Variant type: single nucleotide variant.
Coding change: c.10524C>A on transcript NM_206933.4 (MANE Select); coding-DNA position 10524, C replaced by A.
Protein change: p.Thr3508=; no amino-acid change (threonine 3508 retained).
Molecular consequence: synonymous variant.
Genome position (GRCh38, 1-based): chr1:215,782,799, G>T on the plus strand (C>A on the coding strand, the complement: USH2A is on the minus strand). VCF-style: chr1-215782799-G-T. GRCh37 (hg19) VCF-style: chr1-215956141-G-T.
Identifiers: ClinVar variation 48350 (VCV000048350.14), dbSNP rs397517967, ClinGen allele CA143223.

ClinVar aggregate classification (germline): Likely benign. Review status: criteria provided, multiple submitters, no conflicts (2 of 4 stars). 5 submissions from 4 submitters: Likely benign (4). 1 of the submissions does not count toward it. Last evaluated 2023-11-04.

Conditions:
Retinitis pigmentosa 39 (RP39). Identifiers: Orphanet 791, MedGen C3151138, MONDO:0013436, OMIM 613809.
Usher syndrome type 2A. Also called: RETINAL DISEASE IN USHER SYNDROME TYPE IIA, MODIFIER OF; USHER SYNDROME, TYPE IIA. Identifiers: Orphanet 231178, Orphanet 886, MedGen C1848634, MONDO:0010169, OMIM 276901.

Allele frequency attached by ClinVar (database versions not stated): gnomAD exomes below 0.00001; gnomAD 0.00001.
gnomAD v4.1: 2 of 1,613,642 alleles (0.00012%); highest among the groups gnomAD compares: African/African-American, 0.0027%; no homozygotes.

Submissions (5):

Genome-Nilou Lab
Classification: Likely benign for Retinitis pigmentosa 39. Last evaluated: 2023-11-04. Review status: criteria provided, single submitter. Criteria: ACMG Guidelines, 2015. Collection method: clinical testing. Allele origin: germline. Affected: no.

Genome-Nilou Lab
Classification: Likely benign for Usher syndrome type 2A. Last evaluated: 2023-11-04. Review status: criteria provided, single submitter. Criteria: ACMG Guidelines, 2015. Collection method: clinical testing. Allele origin: germline. Affected: no.

Labcorp Genetics (formerly Invitae), Labcorp
Classification: Likely benign. Last evaluated: 2023-04-03. Review status: criteria provided, single submitter. Criteria: Invitae Variant Classification Sherloc (09022015). Collection method: clinical testing. Allele origin: germline.

Laboratory for Molecular Medicine, Mass General Brigham Personalized Medicine
Classification: Likely benign. Last evaluated: 2012-12-10. Review status: criteria provided, single submitter. Criteria: LMM Criteria. Collection method: clinical testing. Allele origin: germline. Observed: 1 variant allele.
Comment: Thr3508Thr in exon 53 of USH2A: This variant is not expected to have clinical si gnificance because it does not alter an amino acid residue and it is not located within the splice consensus sequence.

Counsyl
Classification: Likely benign for Usher syndrome type 2A; Retinitis pigmentosa 39. Last evaluated: 2018-04-06. Review status: no assertion criteria provided. Collection method: clinical testing. Allele origin: unknown. Not counted in ClinVar's aggregate classification.